The following is an entry in ClinVar:

ClinVar aggregate classification (germline): Uncertain significance (1 of 4 stars; one submission).

Conditions:
Congenital myopathy. Identifiers: Orphanet 97245, MedGen C0270960, MONDO:0019952.

Submission:

Broad Center for Mendelian Genomics, Broad Institute of MIT and Harvard
Classification: Uncertain significance for Congenital myopathy. Last evaluated: 2023-12-20. Review status: criteria provided, single submitter. Criteria: ACMG Guidelines, 2015. Collection method: curation. Allele origin: germline. Study: GREGoR Consortium.
Comment: This variant was detected in cis with another variant of uncertain significance (p.c.2651+2T>A) in MYO15B. While this gene is still lacking sufficient evidence to establish a gene-disease relationship, we believe this is a possible novel gene candidate for this phenotype. Given the limited information about this gene-disease relationship, the significance of the p.Asp2703Glu variant is uncertain. If you have any additional information about functional evidence or other individuals with this phenotype that also have variants in MYO15B we encourage you to reach out to us.

NM_001395058.1(MYO15B):c.8109T>G (p.Asp2703Glu)

Gene: MYO15B (myosin XVB; plus strand). Cytogenetic location: 17q25.1.
Variant type: single nucleotide variant.
Coding change: c.8109T>G on transcript NM_001395058.1 (MANE Select); coding-DNA position 8109, T replaced by G.
Protein change: p.Asp2703Glu; replaces aspartic acid 2703 with glutamic acid.
Molecular consequence: missense variant.
Genome position (GRCh38, 1-based): chr17:75,623,807, T>G. VCF-style: chr17-75623807-T-G. GRCh37 (hg19) VCF-style: chr17-73619887-T-G.
Other names: NM_001395058.1:c.8109T>G; c.7995T>G, p.Asp2665Glu (NM_001309242.2); short protein forms D2665E, D2703E.
Identifiers: ClinVar variation 2674603 (VCV002674603.1), dbSNP rs1237256869, ClinGen allele CA501827323.